The following is an entry in ClinVar:

NM_080680.3(COL11A2):c.4262C>T (p.Pro1421Leu)

Gene: COL11A2 (collagen type XI alpha 2 chain; minus strand). Cytogenetic location: 6p21.32.
Variant type: single nucleotide variant.
Coding change: c.4262C>T on transcript NM_080680.3 (MANE Select); coding-DNA position 4262, C replaced by T.
Protein change: p.Pro1421Leu; replaces proline 1421 with leucine.
Molecular consequence: missense variant.
Genome position (GRCh38, 1-based): chr6:33,166,796, G>A on the plus strand (C>T on the coding strand, the complement: COL11A2 is on the minus strand). VCF-style: chr6-33166796-G-A. GRCh37 (hg19) VCF-style: chr6-33134573-G-A.
Other names: c.3941C>T, p.Pro1314Leu (NM_080679.3); c.4004C>T, p.Pro1335Leu (NM_080681.3); short protein forms P1314L, P1335L, P1421L.
Identifiers: ClinVar variation 1304628 (VCV001304628.4), dbSNP rs1266557699, ClinGen allele CA363621339.

ClinVar aggregate classification (germline): Uncertain significance. Review status: criteria provided, multiple submitters, no conflicts (2 of 4 stars). 2 submissions from 2 submitters: Uncertain significance (2). Last evaluated 2026-08-07.

Conditions:
Inborn genetic diseases. Identifiers: MedGen C0950123, MeSH D030342.

Allele frequency attached by ClinVar (database versions not stated): gnomAD 0.00001; gnomAD exomes 0.00001; TOPMed 0.00002.
gnomAD v4.1: 11 of 1,613,306 alleles (0.00068%); highest among the groups gnomAD compares: Non-Finnish European, 0.00093%; no homozygotes.

Submissions (2):

GeneDx
Classification: Uncertain significance. Last evaluated: 2026-08-07. Review status: criteria provided, single submitter. Criteria: GeneDx Variant Classification Process June 2021. Collection method: clinical testing. Allele origin: germline.
Comment: Not observed at significant frequency in large population cohorts (gnomAD); In silico analysis supports that this missense variant has a deleterious effect on protein structure/function; Has not been previously published as pathogenic or benign to our knowledge

Ambry Genetics
Classification: Uncertain significance for Inborn genetic diseases. Last evaluated: 2025-03-27. Review status: criteria provided, single submitter. Criteria: Ambry Variant Classification Scheme 2023. Collection method: clinical testing. Allele origin: germline.